The following is an entry in ClinVar:

NM_006343.3(MERTK):c.1376T>G (p.Val459Gly)

Gene: MERTK (MER proto-oncogene, tyrosine kinase; plus strand). Cytogenetic location: 2q13.
Variant type: single nucleotide variant.
Coding change: c.1376T>G on transcript NM_006343.3 (MANE Select); coding-DNA position 1376, T replaced by G.
Protein change: p.Val459Gly; replaces valine 459 with glycine.
Molecular consequence: missense variant.
Genome position (GRCh38, 1-based): chr2:111,994,330, T>G. VCF-style: chr2-111994330-T-G. GRCh37 (hg19) VCF-style: chr2-112751907-T-G.
Other names: short protein forms V459G.
Identifiers: ClinVar variation 1480373 (VCV001480373.6), dbSNP rs1676690972, ClinGen allele CA348229992.

ClinVar aggregate classification (germline): Uncertain significance (1 of 4 stars; one submission).

Submission:

Labcorp Genetics (formerly Invitae), Labcorp
Classification: Uncertain significance. Last evaluated: 2022-07-06. Review status: criteria provided, single submitter. Criteria: Invitae Variant Classification Sherloc (09022015). Collection method: clinical testing. Allele origin: germline.
Comment: In summary, the available evidence is currently insufficient to determine the role of this variant in disease. Therefore, it has been classified as a Variant of Uncertain Significance. Algorithms developed to predict the effect of missense changes on protein structure and function (SIFT, PolyPhen-2, Align-GVGD) all suggest that this variant is likely to be disruptive. ClinVar contains an entry for this variant (Variation ID: 1480373). This missense change has been observed in individual(s) with MERTK-related conditions (Invitae). In at least one individual the data is consistent with being in trans (on the opposite chromosome) from a pathogenic variant. This variant is not present in population databases (gnomAD no frequency). This sequence change replaces valine, which is neutral and non-polar, with glycine, which is neutral and non-polar, at codon 459 of the MERTK protein (p.Val459Gly).